The following is an entry in ClinVar:

NM_000534.5(PMS1):c.1436G>C (p.Gly479Ala)

Gene: PMS1 (PMS1 homolog 1, mismatch repair system component; plus strand). Cytogenetic location: 2q32.2.
Variant type: single nucleotide variant.
Coding change: c.1436G>C on transcript NM_000534.5 (MANE Select); coding-DNA position 1436, G replaced by C.
Protein change: p.Gly479Ala; replaces glycine 479 with alanine.
Molecular consequence: missense variant. On other transcripts: non-coding transcript variant (1).
Genome position (GRCh38, 1-based): chr2:189,854,708, G>C. VCF-style: chr2-189854708-G-C. GRCh37 (hg19) VCF-style: chr2-190719434-G-C.
Other names: c.1319G>C, p.Gly440Ala (NM_001128143.2, NM_001321044.2); c.1436G>C, p.Gly479Ala (NM_001128144.2, NM_001321045.2, NM_001321047.2 and 1 more transcripts); c.908G>C, p.Gly303Ala (NM_001289408.2, NM_001289409.2); c.1253G>C, p.Gly418Ala (NM_001321046.2); short protein forms G479A, G303A, G418A, G440A.
Identifiers: ClinVar variation 135053 (VCV000135053.1), dbSNP rs587778612, ClinGen allele CA161531.

ClinVar aggregate classification (germline): not provided (0 of 4 stars; one submission).

Allele frequency attached by ClinVar (database versions not stated): ExAC 0.00001; gnomAD 0.00002; TOPMed 0.00004.
gnomAD v4.1: 3 of 1,613,748 alleles (0.00019%); highest among the groups gnomAD compares: African/African-American, 0.004%; no homozygotes.

Submission:

ITMI
No classification provided. Condition: AllHighlyPenetrant. Last evaluated: 2013-09-19. Review status: no classification provided. Collection method: reference population. Allele origin: germline.
Comment: Please see associated publication for description of ethnicities

Literature cited by the submitters: PubMed 24728327.